The following is an entry in ClinVar:

ClinVar aggregate classification (germline): Uncertain significance. Review status: criteria provided, multiple submitters, no conflicts (2 of 4 stars). 2 submissions from 2 submitters: Uncertain significance (2). Last evaluated 2025-11-18.

Conditions:
Hereditary cancer-predisposing syndrome. Also called: Neoplastic Syndromes, Hereditary; Hereditary Cancer Syndrome; Tumor predisposition; Hereditary neoplastic syndrome. Identifiers: Orphanet 140162, MedGen C0027672, MeSH D009386, MONDO:0015356.
Bloom syndrome (BLM). Also called: Bloom-Torre-Machacek syndrome. Identifiers: Orphanet 125, MedGen C0005859, MONDO:0008876, OMIM 210900.

gnomAD v4.1: 1 of 1,593,990 alleles (0.000063%); highest among the groups gnomAD compares: Non-Finnish European, 0.000085%; no homozygotes.

Submissions (2):

Labcorp Genetics (formerly Invitae), Labcorp
Classification: Uncertain significance for Bloom syndrome. Last evaluated: 2025-11-18. Review status: criteria provided, single submitter. Criteria: Invitae Variant Classification Sherloc (09022015). Collection method: clinical testing. Allele origin: germline.
Comment: This sequence change replaces lysine, which is basic and polar, with asparagine, which is neutral and polar, at codon 187 of the BLM protein (p.Lys187Asn). This variant is not present in population databases (gnomAD no frequency). This variant has not been reported in the literature in individuals affected with BLM-related conditions. ClinVar contains an entry for this variant (Variation ID: 1376709). An algorithm developed to predict the effect of missense changes on protein structure and function (PolyPhen-2) suggests that this variant is likely to be disruptive. In summary, the available evidence is currently insufficient to determine the role of this variant in disease. Therefore, it has been classified as a Variant of Uncertain Significance.

Ambry Genetics
Classification: Uncertain significance for Hereditary cancer-predisposing syndrome. Last evaluated: 2024-01-06. Review status: criteria provided, single submitter. Criteria: Ambry Variant Classification Scheme 2023. Collection method: clinical testing. Allele origin: germline.
Comment: The p.K187N variant (also known as c.561A>C), located in coding exon 2 of the BLM gene, results from an A to C substitution at nucleotide position 561. The lysine at codon 187 is replaced by asparagine, an amino acid with similar properties. This amino acid position is conserved. In addition, this alteration is predicted to be tolerated by in silico analysis. Since supporting evidence is limited at this time, the clinical significance of this alteration remains unclear.

NM_000057.4(BLM):c.561A>C (p.Lys187Asn)

Gene: BLM (BLM RecQ like helicase; plus strand). Cytogenetic location: 15q26.1.
Variant type: single nucleotide variant.
Coding change: c.561A>C on transcript NM_000057.4 (MANE Select); coding-DNA position 561, A replaced by C.
Protein change: p.Lys187Asn; replaces lysine 187 with asparagine.
Molecular consequence: missense variant. On other transcripts: 5 prime UTR variant (1).
Genome position (GRCh38, 1-based): chr15:90,749,829, A>C. VCF-style: chr15-90749829-A-C. GRCh37 (hg19) VCF-style: chr15-91293059-A-C.
Other names: c.561A>C, p.Lys187Asn (NM_001287246.2, NM_001287247.2); c.-731A>C (NM_001287248.2); c.561A>C (NM_000057.2); short protein forms K187N.
Identifiers: ClinVar variation 1376709 (VCV001376709.9), dbSNP rs2151147608, ClinGen allele CA393841055.